The following is an entry in ClinVar:

NM_006070.6(TFG):c.317G>T (p.Arg106Leu)

Gene: TFG (trafficking from ER to golgi regulator; plus strand). Cytogenetic location: 3q12.2.
Variant type: single nucleotide variant.
Coding change: c.317G>T on transcript NM_006070.6 (MANE Select); coding-DNA position 317, G replaced by T.
Protein change: p.Arg106Leu; replaces arginine 106 with leucine.
Molecular consequence: missense variant.
Genome position (GRCh38, 1-based): chr3:100,728,760, G>T. VCF-style: chr3-100728760-G-T. GRCh37 (hg19) VCF-style: chr3-100447604-G-T.
Other names: c.317G>T, p.Arg106Leu (NM_001007565.2, NM_001195478.2, NM_001195479.2); short protein forms R106L.
Identifiers: ClinVar variation 4793038 (VCV004793038.1).
Genomic context (GRCh38, chr3:100,728,760, plus strand): 5'-TTTTTATTTCAGTTAATGGCCAGCCAAGACCCCTTGAATCAAGTCAGGTGAAATATCTCC[G>T]TCGAGAACTGATAGAACTTCGAAATAAAGTGAATCGTTTATTGGATAGCTTGGAACCACC-3'
Protein context (NP_006061.2, residues 96-116): PLESSQVKYL[Arg106Leu]RELIELRNKV

ClinVar aggregate classification (germline): Uncertain significance (1 of 4 stars; one submission).

Conditions:
Hereditary motor and sensory neuropathy, Okinawa type (HMSNO). Also called: HEREDITARY MOTOR AND SENSORY NEUROPATHY, PROXIMAL TYPE. Identifiers: Orphanet 90117, MedGen C1858338, MONDO:0011468, OMIM 604484.
Hereditary spastic paraplegia 57. Also called: Spastic paraplegia 57, autosomal recessive. Identifiers: Orphanet 431329, MedGen C3714897, MONDO:0014295, OMIM 615658.

Submission:

Labcorp Genetics (formerly Invitae), Labcorp
Classification: Uncertain significance for Hereditary motor and sensory neuropathy, Okinawa type; Hereditary spastic paraplegia 57. Last evaluated: 2025-10-22. Review status: criteria provided, single submitter. Criteria: Invitae Variant Classification Sherloc (09022015). Collection method: clinical testing. Allele origin: germline.
Comment: This sequence change replaces arginine, which is basic and polar, with leucine, which is neutral and non-polar, at codon 106 of the TFG protein (p.Arg106Leu). This variant is not present in population databases (gnomAD no frequency). This variant has not been reported in the literature in individuals affected with TFG-related conditions. Invitae Evidence Modeling of protein sequence and biophysical properties (such as structural, functional, and spatial information, amino acid conservation, physicochemical variation, residue mobility, and thermodynamic stability) indicates that this missense variant is not expected to disrupt TFG protein function with a negative predictive value of 80%. This variant disrupts the p.Arg106 amino acid residue in TFG. Other variant(s) that disrupt this residue have been determined to be pathogenic (PMID: 23479643, 27492651, 29971521). This suggests that this residue is clinically significant, and that variants that disrupt this residue are likely to be disease-causing. In summary, the available evidence is currently insufficient to determine the role of this variant in disease. Therefore, it has been classified as a Variant of Uncertain Significance.

Literature cited by the submitters: PubMed 23479643; PubMed 27492651; PubMed 29971521.